The following is an entry in ClinVar:

ClinVar aggregate classification (germline): Uncertain significance (1 of 4 stars; one submission).

Conditions:
Hereditary cancer-predisposing syndrome. Also called: Neoplastic Syndromes, Hereditary; Tumor predisposition; Hereditary Cancer Syndrome; Hereditary neoplastic syndrome. Identifiers: Orphanet 140162, MedGen C0027672, MeSH D009386, MONDO:0015356.

Submission:

Ambry Genetics
Classification: Uncertain significance for Hereditary cancer-predisposing syndrome. Last evaluated: 2024-07-24. Review status: criteria provided, single submitter. Criteria: Ambry Variant Classification Scheme 2023. Collection method: clinical testing. Allele origin: germline.
Comment: The p.M386T variant (also known as c.1157T>C), located in coding exon 12 of the RB1 gene, results from a T to C substitution at nucleotide position 1157. The methionine at codon 386 is replaced by threonine, an amino acid with similar properties. This amino acid position is conserved. In addition, this alteration is predicted to be tolerated by in silico analysis. Based on the available evidence, the clinical significance of this variant remains unclear.

NM_000321.3(RB1):c.1157T>C (p.Met386Thr)

Gene: RB1 (RB transcriptional corepressor 1; plus strand). Cytogenetic location: 13q14.2.
Variant type: single nucleotide variant.
Coding change: c.1157T>C on transcript NM_000321.3 (MANE Select); coding-DNA position 1157, T replaced by C.
Protein change: p.Met386Thr; replaces methionine 386 with threonine.
Molecular consequence: missense variant.
Genome position (GRCh38, 1-based): chr13:48,373,434, T>C. VCF-style: chr13-48373434-T-C. GRCh37 (hg19) VCF-style: chr13-48947570-T-C.
Other names: c.1157T>C, p.Met386Thr (NM_001407165.1, NM_001407166.1); short protein forms M386T.
Identifiers: ClinVar variation 3430866 (VCV003430866.1).